The following is an entry in ClinVar:

ClinVar aggregate classification (germline): Likely benign (0 of 4 stars; one submission).

Conditions:
KCNQ1-related disorder. Also called: KCNQ1-related condition; KCNQ1-related disorders. Identifiers: MedGen CN239322.

gnomAD v4.1: 27 of 398,544 alleles (0.0068%); highest among the groups gnomAD compares: Non-Finnish European, 0.0097%; 1 homozygote.

Submission:

PreventionGenetics, part of Exact Sciences
Classification: Likely benign for KCNQ1-related condition. Last evaluated: 2024-09-10. Review status: no assertion criteria provided. Collection method: clinical testing. Allele origin: germline.
Comment: This variant is classified as likely benign based on ACMG/AMP sequence variant interpretation guidelines (Richards et al. 2015 PMID: 25741868, with internal and published modifications).

NM_000218.3(KCNQ1):c.1394-7930G>A

Genes: KCNQ1 (potassium voltage-gated channel subfamily Q member 1; plus strand), KCNQ1OT1 (KCNQ1 opposite strand/antisense transcript 1; minus strand). Cytogenetic location: 11p15.5.
Variant type: single nucleotide variant.
Coding change: c.1394-7930G>A on transcript NM_000218.3 (MANE Select); 7930 bases into the intron before coding-DNA position 1394, G replaced by A.
Molecular consequence: intron variant. On other transcripts: non-coding transcript variant (1).
Genome position (GRCh38, 1-based): chr11:2,654,031, G>A. VCF-style: chr11-2654031-G-A. GRCh37 (hg19) VCF-style: chr11-2675261-G-A.
Other names: c.1124-7930G>A (NM_001406837.1); c.1298-7930G>A (NM_001406836.1); c.854-7930G>A (NM_001406838.1); c.1013-7930G>A (NM_181798.2).
Identifiers: ClinVar variation 3355160 (VCV003355160.1).